The following is an entry in ClinVar:

ClinVar aggregate classification (germline): Likely benign. Review status: criteria provided, multiple submitters, no conflicts (2 of 4 stars). 2 submissions from 2 submitters: Likely benign (2). Last evaluated 2025-10-14.

Conditions:
BCAP31-related disorder. Also called: BCAP31-related condition.

Allele frequency attached by ClinVar (database versions not stated): gnomAD exomes 0.00003 and 0.00014; ExAC 0.00019; 1000 Genomes Project 0.00026; gnomAD 0.00035; TOPMed 0.00036; 1000 Genomes Project 30x 0.00042; ESP Exome Variant Server 0.00066.

Submissions (2):

PreventionGenetics, part of Exact Sciences
Classification: Likely benign for BCAP31-related condition. Last evaluated: 2025-10-14. Review status: criteria provided, single submitter. Criteria: ACMG Guidelines, 2015. Collection method: clinical testing. Allele origin: germline.
Comment: This variant is classified as likely benign based on ACMG/AMP sequence variant interpretation guidelines (Richards et al. 2015 PMID: 25741868, with internal and published modifications).

Labcorp Genetics (formerly Invitae), Labcorp
Classification: Likely benign. Last evaluated: 2025-10-12. Review status: criteria provided, single submitter. Criteria: Invitae Variant Classification Sherloc (09022015). Collection method: clinical testing. Allele origin: germline.

NM_001256447.2(BCAP31):c.115C>T (p.Arg39Trp)

Gene: BCAP31 (B cell receptor associated protein 31; minus strand). Cytogenetic location: Xq28.
Variant type: single nucleotide variant.
Coding change: c.115C>T on transcript NM_001256447.2 (MANE Select); coding-DNA position 115, C replaced by T.
Protein change: p.Arg39Trp; replaces arginine 39 with tryptophan.
Molecular consequence: missense variant.
Genome position (GRCh38, 1-based): chrX:153,720,950, G>A on the plus strand (C>T on the coding strand, the complement: BCAP31 is on the minus strand). VCF-style: chrX-153720950-G-A. GRCh37 (hg19) VCF-style: chrX-152986405-G-A.
Other names: c.115C>T, p.Arg39Trp (NM_001139441.1, NM_005745.8); c.316C>T, p.Arg106Trp (NM_001139457.2); short protein forms R106W, R39W.
Identifiers: ClinVar variation 738655 (VCV000738655.11), dbSNP rs142175086, ClinGen allele CA10549834.